The following is an entry in ClinVar:

ClinVar aggregate classification (germline): Pathogenic (1 of 4 stars; one submission).

Conditions:
Epilepsy, childhood absence, susceptibility to, 1. Also called: Epilepsy, childhood absence 1. Identifiers: Orphanet 64280, MedGen C1838604, MONDO:0020759, OMIM 600131.
Epilepsy, childhood absence, susceptibility to, 5. Identifiers: Orphanet 64280, MedGen C2677087, MONDO:0012843, OMIM 612269.

Submission:

Labcorp Genetics (formerly Invitae), Labcorp
Classification: Pathogenic for Epilepsy, childhood absence, susceptibility to, 5; Epilepsy, childhood absence, susceptibility to, 1. Last evaluated: 2019-08-27. Review status: criteria provided, single submitter. Criteria: Invitae Variant Classification Sherloc (09022015). Collection method: clinical testing. Allele origin: germline.
Comment: This variant is an out-of-frame deletion of the genomic region encompassing exons 4-7 of the GABRB3 gene. This is expected to create a premature translational stop signal and result in an absent or disrupted protein product. For these reasons, this variant has been classified as Pathogenic. Loss-of-function variants in GABRB3 are known to be pathogenic (PMID: 26950270, 28053010). This variant has not been reported in the literature in individuals with GABRB3-related conditions.

Literature cited by the submitters: PubMed 26950270; PubMed 28053010.

NC_000015.10:g.(?_26567561)_(26629023_?)del

Genes: GABRB3 (gamma-aminobutyric acid type A receptor subunit beta3; minus strand), LOC126862078 (BRD4-independent group 4 enhancer GRCh37_chr15:26860170-26861369; plus strand). Cytogenetic location: 15q12.
Variant type: Deletion.
Identifiers: ClinVar variation 537298 (VCV000537298.9).